The following is an entry in ClinVar:

ClinVar aggregate classification (germline): Conflicting classifications of pathogenicity. Review status: criteria provided, conflicting classifications (1 of 4 stars). 9 submissions from 7 submitters: Uncertain significance (1); Benign (1); Likely benign (5). 2 of the submissions do not count toward it. Last evaluated 2026-01-26.

Conditions:
F5-related disorder. Also called: F5-related condition.
Congenital factor V deficiency. Also called: Hereditary factor V deficiency disease; LABILE FACTOR DEFICIENCY; OWREN PARAHEMOPHILIA; PARAHEMOPHILIA. Identifiers: Orphanet 326, MedGen C0015499, MONDO:0009210, OMIM 227400.
Thrombophilia due to thrombin defect (THPH1). Also called: THROMBOPHILIA DUE TO FACTOR 2 DEFECT; Prothrombin-Related Thrombophilia (Factor II); Thrombosis susceptibility; Prothrombin Thrombophilia. Identifiers: MedGen C3160733, MONDO:0008559, OMIM 188050. Disease mechanism: gain of function, loss of function.
Budd-Chiari syndrome (BDCHS). Also called: Hepatic vein obstruction. Identifiers: Orphanet 131, MedGen C0856761, MONDO:0010947, OMIM 600880, HP:0002639.
Factor V deficiency. Also called: Reduced coagulation factor V activity. Identifiers: Orphanet 326, MedGen C4317320, MONDO:0020586, HP:0003225.
Abnormal bleeding. Also called: Bleeding diathesis. Identifiers: MedGen C1458140, HP:0001892.
Thrombocytopenia. Identifiers: MedGen C0040034, MeSH D013921, MONDO:0002049, HP:0001873.

Allele frequency attached by ClinVar (database versions not stated): ESP Exome Variant Server 0.00115; TOPMed 0.00134; gnomAD 0.00144 and 0.00166; gnomAD exomes 0.00206 and 0.00251; 1000 Genomes Project 30x 0.00234; 1000 Genomes Project 0.00240; ExAC 0.00245.
gnomAD v4.1: 3,280 of 1,613,822 alleles (0.2%); highest among the groups gnomAD compares: South Asian, 0.86%; 13 homozygotes.

Submissions (9):

Labcorp Genetics (formerly Invitae), Labcorp
Classification: Benign for Congenital factor V deficiency. Last evaluated: 2026-01-26. Review status: criteria provided, single submitter. Criteria: Invitae Variant Classification Sherloc (09022015). Collection method: clinical testing. Allele origin: germline.

CeGaT Center for Human Genetics Tuebingen
Classification: Likely benign. Last evaluated: 2025-10-01. Review status: criteria provided, single submitter. Criteria: CeGaT Center For Human Genetics Tuebingen Variant Classification Criteria Version 2. Collection method: clinical testing. Allele origin: germline. Affected: yes. Observed: 7 variant alleles.
Comment: F5: BS2

Blueprint Genetics
Classification: Likely benign. Last evaluated: 2024-11-21. Review status: criteria provided, single submitter. Criteria: ACMG Guidelines, 2015. Collection method: clinical testing. Allele origin: germline.

Illumina Laboratory Services, Illumina
Classification: Likely benign for Budd-Chiari syndrome. Last evaluated: 2018-01-12. Review status: criteria provided, single submitter. Criteria: ICSL Variant Classification Criteria 13 December 2019. Collection method: clinical testing. Allele origin: germline.
Comment: This variant was observed in the ICSL laboratory as part of a predisposition screen in an ostensibly healthy population. It had not been previously curated by ICSL or reported in the Human Gene Mutation Database (HGMD: prior to June 1st, 2018), and was therefore a candidate for classification through an automated scoring system. Utilizing variant allele frequency, disease prevalence and penetrance estimates, and inheritance mode, an automated score was calculated to assess if this variant is too frequent to cause the disease. Based on the score and internal cut-off values, a variant classified as likely benign is not then subjected to further curation. The score for this variant resulted in a classification of likely benign for this disease.

Illumina Laboratory Services, Illumina
Classification: Likely benign for Congenital factor V deficiency. Last evaluated: 2018-01-12. Review status: criteria provided, single submitter. Criteria: ICSL Variant Classification Criteria 13 December 2019. Collection method: clinical testing. Allele origin: germline.
Comment: the same text as in the submission from Illumina Laboratory Services, Illumina above.

Illumina Laboratory Services, Illumina
Classification: Likely benign for Venous thrombosis. Last evaluated: 2018-01-12. Review status: criteria provided, single submitter. Criteria: ICSL Variant Classification Criteria 13 December 2019. Collection method: clinical testing. Allele origin: germline.
Comment: the same text as in the submission from Illumina Laboratory Services, Illumina above.

ISTH-SSC Genomics in Thrombosis and Hemostasis, KU Leuven, Center for Molecular and Vascular Biology
Classification: Uncertain significance for Congenital factor V deficiency. Review status: criteria provided, single submitter. Criteria: ACMG Guidelines, 2015. Collection method: clinical testing. Allele origin: unknown. Affected: yes.
Comment: Submitted to GoldVariant by Kathleen Freson, Center for Molecular and Vascular Biology, Leuven, Belgium

Birmingham Platelet Group; University of Birmingham
Classification: Uncertain significance for Thrombocytopenia; Abnormal bleeding. Last evaluated: 2020-05-01. Review status: no assertion criteria provided. Collection method: research. Allele origin: germline. Affected: yes. Not counted in ClinVar's aggregate classification.

PreventionGenetics, part of Exact Sciences
Classification: Benign for F5-related condition. Last evaluated: 2019-04-30. Review status: no assertion criteria provided. Collection method: clinical testing. Allele origin: germline. Not counted in ClinVar's aggregate classification.
Comment: This variant is classified as benign based on ACMG/AMP sequence variant interpretation guidelines (Richards et al. 2015 PMID: 25741868, with internal and published modifications).

Literature cited by the submitters: PubMed 34355501 (cited by ISTH-SSC Genomics in Thrombosis and Hemostasis, KU Leuven, Center for Molecular and Vascular Biology).

NM_000130.5(F5):c.5054C>G (p.Thr1685Ser)

Gene: F5 (coagulation factor V; minus strand). Cytogenetic location: 1q24.2.
Variant type: single nucleotide variant.
Coding change: c.5054C>G on transcript NM_000130.5 (MANE Select); coding-DNA position 5054, C replaced by G.
Protein change: p.Thr1685Ser; replaces threonine 1685 with serine.
Molecular consequence: missense variant.
Genome position (GRCh38, 1-based): chr1:169,530,940, G>C on the plus strand (C>G on the coding strand, the complement: F5 is on the minus strand). VCF-style: chr1-169530940-G-C. GRCh37 (hg19) VCF-style: chr1-169500178-G-C.
Other names: short protein forms T1685S.
Identifiers: ClinVar variation 293590 (VCV000293590.58), dbSNP rs6011, ClinGen allele CA1233580.
Genomic context (GRCh38, chr1:169,530,940, plus strand): 5'-CTGCTATTTGGCTGAACAGCATTATCTTCCTTAAACCATTCAGGAGAGTCATCTTCATAA[G>C]TCTTTCCCTCTGATGATTTTTCATAGGAAAGTCCATGGGCATGTAGAGAATACGGTCTGG-3'
Protein context (NP_000121.2, residues 1675-1695): LSYEKSSEGK[Thr1685Ser]YEDDSPEWFK